The following is an entry in ClinVar:

ClinVar aggregate classification (germline): Uncertain significance. Review status: criteria provided, multiple submitters, no conflicts (2 of 4 stars). 3 submissions from 3 submitters: Uncertain significance (3). Last evaluated 2025-05-01.

Conditions:
Hereditary nonpolyposis colorectal neoplasms. Identifiers: MedGen C0009405, MeSH D003123.
Hereditary cancer-predisposing syndrome. Also called: Neoplastic Syndromes, Hereditary; Tumor predisposition; Hereditary Cancer Syndrome; Hereditary neoplastic syndrome. Identifiers: Orphanet 140162, MedGen C0027672, MeSH D009386, MONDO:0015356.

Submissions (3):

Ambry Genetics
Classification: Uncertain significance for Hereditary cancer-predisposing syndrome. Last evaluated: 2025-05-01. Review status: criteria provided, single submitter. Criteria: Ambry Variant Classification Scheme 2023. Collection method: clinical testing. Allele origin: germline.
Comment: The p.R26S variant (also known as c.78G>T), located in coding exon 1 of the MSH6 gene, results from a G to T substitution at nucleotide position 78. The arginine at codon 26 is replaced by serine, an amino acid with dissimilar properties. This amino acid position is conserved. In addition, this alteration is predicted to be tolerated by in silico analysis. Based on the available evidence, the clinical significance of this variant remains unclear.

Labcorp Genetics (formerly Invitae), Labcorp
Classification: Uncertain significance for Hereditary nonpolyposis colorectal neoplasms. Last evaluated: 2024-09-15. Review status: criteria provided, single submitter. Criteria: Invitae Variant Classification Sherloc (09022015). Collection method: clinical testing. Allele origin: germline.
Comment: This sequence change replaces arginine, which is basic and polar, with serine, which is neutral and polar, at codon 26 of the MSH6 protein (p.Arg26Ser). This variant is not present in population databases (gnomAD no frequency). This variant has not been reported in the literature in individuals affected with MSH6-related conditions. ClinVar contains an entry for this variant (Variation ID: 920304). Invitae Evidence Modeling of protein sequence and biophysical properties (such as structural, functional, and spatial information, amino acid conservation, physicochemical variation, residue mobility, and thermodynamic stability) indicates that this missense variant is not expected to disrupt MSH6 protein function with a negative predictive value of 95%. In summary, the available evidence is currently insufficient to determine the role of this variant in disease. Therefore, it has been classified as a Variant of Uncertain Significance.

Color Diagnostics, LLC DBA Color Health
Classification: Uncertain significance for Hereditary cancer-predisposing syndrome. Last evaluated: 2023-12-04. Review status: criteria provided, single submitter. Criteria: ACMG Guidelines, 2015. Collection method: clinical testing. Allele origin: germline.
Comment: This missense variant replaces arginine with serine at codon 26 of the MSH6 protein. Computational prediction tools and conservation analyses are inconclusive regarding the impact of this variant on protein structure and function. Splice site prediction tools suggest that this variant may not impact RNA splicing. To our knowledge, functional studies have not been performed for this variant. This variant has not been reported in individuals affected with hereditary cancer in the literature. This variant has not been identified in the general population by the Genome Aggregation Database (gnomAD). The available evidence is insufficient to determine the role of this variant in disease conclusively. Therefore, this variant is classified as a Variant of Uncertain Significance.

NM_000179.3(MSH6):c.78G>T (p.Arg26Ser)

Gene: MSH6 (mutS homolog 6; plus strand). Cytogenetic location: 2p16.3.
Variant type: single nucleotide variant.
Coding change: c.78G>T on transcript NM_000179.3 (MANE Select); coding-DNA position 78, G replaced by T.
Protein change: p.Arg26Ser; replaces arginine 26 with serine.
Molecular consequence: missense variant. On other transcripts: 5 prime UTR variant (1).
Genome position (GRCh38, 1-based): chr2:47,783,311, G>T. VCF-style: chr2-47783311-G-T. GRCh37 (hg19) VCF-style: chr2-48010450-G-T.
Other names: c.78G>T, p.Arg26Ser (NM_001281492.2); c.-659G>T (NM_001281493.2); short protein forms R26S.
Identifiers: ClinVar variation 920304 (VCV000920304.11), dbSNP rs1395190094, ClinGen allele CA346734795.